The following is an entry in ClinVar:

NC_000012.12:g.(?_63595966)_(63596037_?)del

Gene: DPY19L2 (dpy-19 like 2; minus strand). Cytogenetic location: 12q14.2.
Variant type: Deletion.
Identifiers: ClinVar variation 831821 (VCV000831821.7).

ClinVar aggregate classification (germline): Pathogenic (1 of 4 stars; one submission).

Submission:

Labcorp Genetics (formerly Invitae), Labcorp
Classification: Pathogenic. Last evaluated: 2020-05-11. Review status: criteria provided, single submitter. Criteria: Invitae Variant Classification Sherloc (09022015). Collection method: clinical testing. Allele origin: germline.
Comment: A gross deletion of the genomic region encompassing the full coding sequence of the DPY19L2 gene has been identified. The boundaries of this event are unknown as the deletion extends beyond the assayed region for this gene and therefore may encompass additional genes. Whole gene deletions of DPY19L2 have been reported in individuals affected with globozoospermia (PMID: 25755131, 27441053). Loss-of-function variants in DPY19L2 are known to be pathogenic (PMID: 22627659, 22653751). For these reasons, this variant has been classified as Pathogenic.

Literature cited by the submitters: PubMed 25755131; PubMed 27441053; PubMed 22627659; PubMed 22653751.